The following is an entry in ClinVar:

ClinVar aggregate classification (germline): Uncertain significance (1 of 4 stars; one submission).

Conditions:
Norman-Roberts syndrome (LIS2). Also called: Lissencephaly 2 (Norman-Roberts type). Identifiers: Orphanet 89844, MedGen C0796089, MONDO:0009760, OMIM 257320.
Familial temporal lobe epilepsy 7. Identifiers: Orphanet 101046, MedGen C4225327, MONDO:0014639, OMIM 616436.

gnomAD v4.1: 2 of 1,613,710 alleles (0.00012%); highest among the groups gnomAD compares: Non-Finnish European, 0.00017%; no homozygotes.

Submission:

Labcorp Genetics (formerly Invitae), Labcorp
Classification: Uncertain significance for Familial temporal lobe epilepsy 7; Norman-Roberts syndrome. Last evaluated: 2025-02-17. Review status: criteria provided, single submitter. Criteria: Invitae Variant Classification Sherloc (09022015). Collection method: clinical testing. Allele origin: germline.
Comment: This sequence change replaces cysteine, which is neutral and slightly polar, with tyrosine, which is neutral and polar, at codon 1672 of the RELN protein (p.Cys1672Tyr). This variant is not present in population databases (gnomAD no frequency). This variant has not been reported in the literature in individuals affected with RELN-related conditions. Invitae Evidence Modeling of protein sequence and biophysical properties (such as structural, functional, and spatial information, amino acid conservation, physicochemical variation, residue mobility, and thermodynamic stability) has been performed for this missense variant. However, the output from this modeling did not meet the statistical confidence thresholds required to predict the impact of this variant on RELN protein function. In summary, the available evidence is currently insufficient to determine the role of this variant in disease. Therefore, it has been classified as a Variant of Uncertain Significance.

NM_005045.4(RELN):c.5015G>A (p.Cys1672Tyr)

Gene: RELN (reelin; minus strand). Cytogenetic location: 7q22.1.
Variant type: single nucleotide variant.
Coding change: c.5015G>A on transcript NM_005045.4 (MANE Select); coding-DNA position 5015, G replaced by A.
Protein change: p.Cys1672Tyr; replaces cysteine 1672 with tyrosine.
Molecular consequence: missense variant.
Genome position (GRCh38, 1-based): chr7:103,565,473, C>T on the plus strand (G>A on the coding strand, the complement: RELN is on the minus strand). VCF-style: chr7-103565473-C-T. GRCh37 (hg19) VCF-style: chr7-103205920-C-T.
Other names: c.5015G>A, p.Cys1672Tyr (NM_173054.3); short protein forms C1672Y.
Identifiers: ClinVar variation 4782859 (VCV004782859.1).
Genomic context (GRCh38, chr7:103,565,473, plus strand): 5'-TTGCCATTGTTCAGAGAATACTGGAGCTGTACACTGTGGGAGTTGCTGAAGGGCTTGCTA[C>T]AGCCCATGCTCATTTCAAACTGCAAAAAGGTAGATGCTGACACATGAAAATCCCAGGTCT-3'
Protein context (NP_005036.2, residues 1662-1682): TFLQFEMSMG[Cys1672Tyr]SKPFSNSHSV